The following is an entry in ClinVar:

NM_001023.4(RPS20):c.195A>C (p.Thr65=)

Gene: RPS20 (ribosomal protein S20; minus strand). Cytogenetic location: 8q12.1.
Variant type: single nucleotide variant.
Coding change: c.195A>C on transcript NM_001023.4 (MANE Select); coding-DNA position 195, A replaced by C.
Protein change: p.Thr65=; no amino-acid change (threonine 65 retained).
Molecular consequence: synonymous variant.
Genome position (GRCh38, 1-based): chr8:56,073,255, T>G on the plus strand (A>C on the coding strand, the complement: RPS20 is on the minus strand). VCF-style: chr8-56073255-T-G. GRCh37 (hg19) VCF-style: chr8-56985814-T-G.
Other names: c.195A>C, p.Thr65= (NM_001146227.3).
Identifiers: ClinVar variation 5042395 (VCV005042395.1).

ClinVar aggregate classification (germline): Benign (1 of 4 stars; one submission).

Conditions:
Familial colorectal cancer type X. Identifiers: Orphanet 440437, MedGen C3896578, MONDO:0018604.

Submission:

Myriad Genetics, Inc.
Classification: Benign for Familial colorectal cancer type X. Last evaluated: 2026-08-03. Review status: criteria provided, single submitter. Criteria: Myriad Autosomal Dominant, Autosomal Recessive and X-Linked Classification Criteria (2023). Collection method: clinical testing. Allele origin: unknown.
Comment: This variant is considered benign. This variant is a silent/synonymous amino acid change and it is not expected to impact splicing.